The following is an entry in ClinVar:

NM_001844.5(COL2A1):c.2378C>T (p.Pro793Leu)

Gene: COL2A1 (collagen type II alpha 1 chain; minus strand). Cytogenetic location: 12q13.11.
Variant type: single nucleotide variant.
Coding change: c.2378C>T on transcript NM_001844.5 (MANE Select); coding-DNA position 2378, C replaced by T.
Protein change: p.Pro793Leu; replaces proline 793 with leucine.
Molecular consequence: missense variant.
Genome position (GRCh38, 1-based): chr12:47,981,807, G>A on the plus strand (C>T on the coding strand, the complement: COL2A1 is on the minus strand). VCF-style: chr12-47981807-G-A. GRCh37 (hg19) VCF-style: chr12-48375590-G-A.
Other names: c.2171C>T, p.Pro724Leu (NM_033150.3); short protein forms P793L, P724L.
Identifiers: ClinVar variation 3720377 (VCV003720377.2).

ClinVar aggregate classification (germline): Uncertain significance (1 of 4 stars; one submission).

gnomAD v4.1: 1 of 1,554,572 alleles (0.000064%); highest among the groups gnomAD compares: Non-Finnish European, 0.000087%; no homozygotes.

Submission:

Labcorp Genetics (formerly Invitae), Labcorp
Classification: Uncertain significance. Last evaluated: 2025-01-20. Review status: criteria provided, single submitter. Criteria: Invitae Variant Classification Sherloc (09022015). Collection method: clinical testing. Allele origin: germline.
Comment: This sequence change replaces proline, which is neutral and non-polar, with leucine, which is neutral and non-polar, at codon 793 of the COL2A1 protein (p.Pro793Leu). This variant is not present in population databases (gnomAD no frequency). This variant has not been reported in the literature in individuals affected with COL2A1-related conditions. Invitae Evidence Modeling of protein sequence and biophysical properties (such as structural, functional, and spatial information, amino acid conservation, physicochemical variation, residue mobility, and thermodynamic stability) has been performed for this missense variant. However, the output from this modeling did not meet the statistical confidence thresholds required to predict the impact of this variant on COL2A1 protein function. In summary, the available evidence is currently insufficient to determine the role of this variant in disease. Therefore, it has been classified as a Variant of Uncertain Significance.